The following is an entry in ClinVar:

ClinVar aggregate classification (germline): Uncertain significance (1 of 4 stars; one submission).

Submission:

CeGaT Center for Human Genetics Tuebingen
Classification: Uncertain significance. Last evaluated: 2026-01-01. Review status: criteria provided, single submitter. Criteria: CeGaT Center For Human Genetics Tuebingen Variant Classification Criteria Version 2. Collection method: clinical testing. Allele origin: germline. Affected: yes. Observed: 1 variant allele.
Comment: SKI: PM2, PP3

NM_003036.4(SKI):c.90C>G (p.Ser30Arg)

Gene: SKI (SKI proto-oncogene; plus strand). Cytogenetic location: 1p36.33.
Variant type: single nucleotide variant.
Coding change: c.90C>G on transcript NM_003036.4 (MANE Select); coding-DNA position 90, C replaced by G.
Protein change: p.Ser30Arg; replaces serine 30 with arginine.
Molecular consequence: missense variant.
Genome position (GRCh38, 1-based): chr1:2,228,856, C>G. VCF-style: chr1-2228856-C-G. GRCh37 (hg19) VCF-style: chr1-2160295-C-G.
Other names: short protein forms S30R.
Identifiers: ClinVar variation 4823222 (VCV004823222.4).